The following is an entry in ClinVar:

NM_004369.4(COL6A3):c.5869G>A (p.Gly1957Arg)

Gene: COL6A3 (collagen type VI alpha 3 chain; minus strand). Cytogenetic location: 2q37.3.
Variant type: single nucleotide variant.
Coding change: c.5869G>A on transcript NM_004369.4 (MANE Select); coding-DNA position 5869, G replaced by A.
Protein change: p.Gly1957Arg; replaces glycine 1957 with arginine.
Molecular consequence: missense variant.
Genome position (GRCh38, 1-based): chr2:237,364,398, C>T on the plus strand (G>A on the coding strand, the complement: COL6A3 is on the minus strand). VCF-style: chr2-237364398-C-T. GRCh37 (hg19) VCF-style: chr2-238273041-C-T.
Other names: c.4048G>A, p.Gly1350Arg (NM_057166.5); c.5251G>A, p.Gly1751Arg (NM_057167.4); short protein forms G1957R, G1350R, G1751R.
Identifiers: ClinVar variation 476541 (VCV000476541.13), dbSNP rs554219567, ClinGen allele CA2188547.

ClinVar aggregate classification (germline): Conflicting classifications of pathogenicity. Review status: criteria provided, conflicting classifications (1 of 4 stars). 3 submissions from 3 submitters: Uncertain significance (2); Likely benign (1). Last evaluated 2026-06-27.

Conditions:
COL6A3-related disorder. Also called: COL6A3-related disorders; COL6A3-related condition.
Bethlem myopathy 1A. Also called: MYOPATHY, BENIGN CONGENITAL, WITH CONTRACTURES; Bethlem myopathy 1; Bethlem Muscular Dystrophy. Identifiers: Orphanet 610, MedGen CN029274, MONDO:0024530, OMIM 158810.

Allele frequency attached by ClinVar (database versions not stated): TOPMed 0.00002; gnomAD 0.00003 and 0.00004; gnomAD exomes 0.00003; ExAC 0.00004.

Submissions (3):

PreventionGenetics, part of Exact Sciences
Classification: Uncertain significance for COL6A3-related condition. Last evaluated: 2026-06-27. Review status: criteria provided, single submitter. Criteria: ACMG Guidelines, 2015. Collection method: clinical testing. Allele origin: germline.
Comment: The COL6A3 c.5869G>A variant is predicted to result in the amino acid substitution p.Gly1957Arg. To our knowledge, this variant has not been reported in the literature. This variant is reported in 0.0050% of alleles in individuals of East Asian descent in gnomAD. At this time, the clinical significance of this variant is uncertain due to the absence of conclusive functional and genetic evidence.

Labcorp Genetics (formerly Invitae), Labcorp
Classification: Likely benign for Bethlem myopathy 1A. Last evaluated: 2024-10-25. Review status: criteria provided, single submitter. Criteria: Invitae Variant Classification Sherloc (09022015). Collection method: clinical testing. Allele origin: germline.

GeneDx
Classification: Uncertain significance. Last evaluated: 2020-02-05. Review status: criteria provided, single submitter. Criteria: GeneDx Variant Classification Process June 2021. Collection method: clinical testing. Allele origin: germline. Affected: yes.
Comment: Has not been previously published as pathogenic or benign to our knowledge; In silico analysis supports that this missense variant does not alter protein structure/function